The following is an entry in ClinVar:

NM_006306.4(SMC1A):c.796AAG[2] (p.Lys268del)

Gene: SMC1A (structural maintenance of chromosomes 1A; minus strand). Cytogenetic location: Xp11.22.
Variant type: Microsatellite.
Coding change: c.796AAG[2] on transcript NM_006306.4 (MANE Select); two copies in a row of the 3-base unit AAG starting at c.796; the reference has three copies in a row; one copy, 3 bases deleted; also written c.802_804del.
Protein change: p.Lys268del; deletes lysine 268.
Molecular consequence: inframe deletion.
Genome position (GRCh38, 1-based): chrX:53,412,950-53,412,952, CTT deleted on the plus strand (AAG on the coding strand, the reverse complement: SMC1A is on the minus strand); deleting any 3 consecutive bases within chrX:53,412,950-53,412,960 gives the same sequence; the position shown is the placement nearest the transcript's 3' end. VCF-style (leftmost placement, unchanged base first): chrX-53412949-CCTT-C. GRCh37 (hg19) VCF-style: chrX-53439899-CCTT-C.
Other names: c.730AAG[2], p.Lys246del (NM_001281463.1); c.802_804delAAG (NM_006306.4, NM_006306.3); c.802_804del (NM_006306.4); short protein forms K268del, K246del.
Identifiers: ClinVar variation 180197 (VCV000180197.12), dbSNP rs727503773, ClinGen allele CA333590.

ClinVar aggregate classification (germline): Pathogenic. Review status: criteria provided, multiple submitters, no conflicts (2 of 4 stars). 7 submissions from 7 submitters: Pathogenic (4). 3 of the submissions do not count toward it. Last evaluated 2023-07-17.

Conditions:
SMC1A-related disorder. Also called: SMC1A-related condition.
Congenital muscular hypertrophy-cerebral syndrome (CDLS2). Also called: SMC1A-Related Cornelia de Lange Syndrome; Cornelia de Lange syndrome 2. Identifiers: Orphanet 199, MedGen C1802395, MONDO:0010370, OMIM 300590.
Hirsutism. Identifiers: MedGen C0019572, HP:0001007.
Hypertonia. Identifiers: MedGen C0026826, HP:0001276.
Global developmental delay (DD). Also called: Cognitive delay. Identifiers: MedGen C0557874, HP:0001263. Disease mechanism: loss of function.
Abnormal heart valve morphology. Identifiers: MedGen C0241654, HP:0001654.
Progressive sensorineural hearing impairment. Identifiers: MedGen C1843156, HP:0000408.
Microcephaly. Also called: Microcephaly (disease). Identifiers: MedGen C4551563, MONDO:0001149, HP:0000252.

Submissions (7):

Victorian Clinical Genetics Services, Murdoch Childrens Research Institute
Classification: Pathogenic for Congenital muscular hypertrophy-cerebral syndrome. Last evaluated: 2023-07-17. Review status: criteria provided, single submitter. Criteria: ACMG Guidelines, 2015. Collection method: clinical testing. Allele origin: germline. Inheritance: X-linked dominant inheritance. Affected: yes.
Comment: Based on the classification scheme VCGS_Germline_v1.3.4, this variant is classified as Pathogenic. Following criteria are met: 0102 - Loss of function is a known mechanism of disease in this gene and is associated with Cornelia de Lange syndrome 2 (MIM#300590) and developmental and epileptic encephalopathy 85, with or without midline brain defects (MIM#301044). Dominant negative is a suggested mechanism of disease for missense variants (PMID: 17273969, 19701948). (I). 0110 - This gene is associated with X-linked dominant disease. (I) 0214 - In-frame deletion fully contained in a repetitive region that has high conservation. (SP) 0251 - This variant is heterozygous. (I) 0301 - Variant is absent from gnomAD (both v2 and v3). (SP) 0309 - A missense variant at the same position has been observed in gnomAD (v2) (0 heterozygotes, 0 homozygotes, 1 hemizygote). (I) 0600 - Variant is located in the annotated RecF/RecN/SMC N terminal domain (DECIPHER). (I) 0801 - This variant has strong previous evidence of pathogenicity in unrelated individuals. This variant has been classified as pathogenic by several clinical laboratories in ClinVar and observed in many individuals with Cornelia de Lange syndrome in the literature (PMIDs: 28548707, 19701948, 25574841, 20358602). (SP) Legend: (SP) - Supporting pathogenic, (I) - Information, (SB) - Supporting benign

Baylor Genetics
Classification: Pathogenic for Congenital muscular hypertrophy-cerebral syndrome. Last evaluated: 2021-06-25. Review status: criteria provided, single submitter. Criteria: ACMG Guidelines, 2015. Collection method: clinical testing. Allele origin: unknown.

Centre for Mendelian Genomics, University Medical Centre Ljubljana
Classification: Pathogenic for Abnormal heart valve morphology; Global developmental delay; Hirsutism; Hypertonia; Microcephaly; Progressive sensorineural hearing impairment. Last evaluated: 2017-01-01. Review status: criteria provided, single submitter. Criteria: ACMG Guidelines, 2015. Collection method: clinical testing. Allele origin: unknown. Affected: yes.

Genetic Services Laboratory, University of Chicago
Classification: Pathogenic for Cornelia de Lange syndrome 2. Last evaluated: 2013-02-08. Review status: criteria provided, single submitter. Criteria: ACMG Guidelines, 2007. Collection method: clinical testing. Allele origin: germline. Affected: yes.

PreventionGenetics, part of Exact Sciences
Classification: Pathogenic for SMC1A-related condition. Last evaluated: 2024-07-22. Review status: no assertion criteria provided. Collection method: clinical testing. Allele origin: germline. Not counted in ClinVar's aggregate classification.
Comment: The SMC1A c.802_804delAAG variant is predicted to result in an in-frame deletion (p.Lys268del). This variant has been reported as a recurrent de novo variant in individuals with Cornelia de Lange syndrome (Liu et al. 2009. PubMed ID: 19701948; Yuan et al. 2019. PubMed ID: 30158690; Stojanovic et al. 2019. PubMed ID: 31623504; Table S1, Pode-Shakked et al. 2021. PubMed ID: 34580403; Kaur et al. 2023. PubMed ID: 37377026). This variant has not been reported in the gnomAD database, indicating this variant is rare. This variant is interpreted as pathogenic.

Pediatric Genetics Clinic, Sheba Medical Center
Classification: Pathogenic for Congenital muscular hypertrophy-cerebral syndrome. Last evaluated: 2021-05-13. Review status: no assertion criteria provided. Collection method: clinical testing. Allele origin: de novo. Affected: yes. Observed: 1 heterozygote. Not counted in ClinVar's aggregate classification.

Lupski Lab, Baylor-Hopkins CMG, Baylor College of Medicine
Classification: Pathogenic for Cornelia de Lange Syndrome 2 (CdLS2). Last evaluated: 2014-12-02. Review status: no assertion criteria provided. Collection method: research. Allele origin: de novo. Affected: yes. Observed: 1 heterozygote. Not counted in ClinVar's aggregate classification.

Literature cited by the submitters: PubMed 17273969 (cited by Victorian Clinical Genetics Services, Murdoch Childrens Research Institute); PubMed 19701948 (cited by Victorian Clinical Genetics Services, Murdoch Childrens Research Institute); PubMed 20358602 (cited by Victorian Clinical Genetics Services, Murdoch Childrens Research Institute); PubMed 25574841 (cited by Victorian Clinical Genetics Services, Murdoch Childrens Research Institute and Lupski Lab, Baylor-Hopkins CMG, Baylor College of Medicine); PubMed 28548707 (cited by Victorian Clinical Genetics Services, Murdoch Childrens Research Institute); PubMed 30158690 (cited by Baylor Genetics).